The following is an entry in ClinVar:

ClinVar aggregate classification (germline): Uncertain significance. Review status: criteria provided, multiple submitters, no conflicts (2 of 4 stars). 3 submissions from 3 submitters: Uncertain significance (3). Last evaluated 2026-08-28.

Conditions:
Inborn genetic diseases. Identifiers: MedGen C0950123, MeSH D030342.
Deafness-lymphedema-leukemia syndrome. Also called: Lymphedema, primary, with myelodysplasia; Emberger syndrome. Identifiers: Orphanet 3226, MedGen C3279664, MONDO:0013540, OMIM 614038.
Monocytopenia with susceptibility to infections. Also called: MONOCYTOPENIA AND MYCOBACTERIAL INFECTION SYNDROME; MONOCYTOPENIA WITH SUSCEPTIBILITY TO MYCOBACTERIAL, FUNGAL, AND PAPILLOMAVIRUS INFECTIONS AND MYELODYSPLASIA; COMBINED IMMUNODEFICIENCY WITH SUSCEPTIBILITY TO MYCOBACTERIAL, VIRAL, AND FUNGAL INFECTIONS; Dendritic cell, monocyte, B lymphocyte, and natural killer lymphocyte deficiency; GATA2 DEFICIENCY; IMMUNODEFICIENCY 21. Identifiers: Orphanet 228423, MedGen C3280030, MONDO:0013607, OMIM 614172.

Submissions (3):

Ambry Genetics
Classification: Uncertain significance for Inborn genetic diseases. Last evaluated: 2026-08-28. Review status: criteria provided, single submitter. Criteria: Ambry Variant Classification Scheme 2023. Collection method: clinical testing. Allele origin: germline.
Comment: The p.S462Y variant (also known as c.1385C>A), located in coding exon 5 of the GATA2 gene, results from a C to A substitution at nucleotide position 1385. The serine at codon 462 is replaced by tyrosine, an amino acid with dissimilar properties. This amino acid position is well conserved in available vertebrate species. In addition, the in silico prediction for this alteration is inconclusive. Based on the available evidence, the clinical significance of this variant remains unclear.

Labcorp Genetics (formerly Invitae), Labcorp
Classification: Uncertain significance for Monocytopenia with susceptibility to infections; Deafness-lymphedema-leukemia syndrome. Last evaluated: 2024-10-25. Review status: criteria provided, single submitter. Criteria: Invitae Variant Classification Sherloc (09022015). Collection method: clinical testing. Allele origin: germline.
Comment: This sequence change replaces serine, which is neutral and polar, with tyrosine, which is neutral and polar, at codon 462 of the GATA2 protein (p.Ser462Tyr). This variant is not present in population databases (gnomAD no frequency). This missense change has been observed in individual(s) with common variable immunodeficiency (PMID: 34619682). This variant is also known as c.1343C>A, p.Ser448Tyr. ClinVar contains an entry for this variant (Variation ID: 580830). Invitae Evidence Modeling of protein sequence and biophysical properties (such as structural, functional, and spatial information, amino acid conservation, physicochemical variation, residue mobility, and thermodynamic stability) has been performed for this missense variant. However, the output from this modeling did not meet the statistical confidence thresholds required to predict the impact of this variant on GATA2 protein function. In summary, the available evidence is currently insufficient to determine the role of this variant in disease. Therefore, it has been classified as a Variant of Uncertain Significance.

GeneDx
Classification: Uncertain significance. Last evaluated: 2024-10-03. Review status: criteria provided, single submitter. Criteria: GeneDx Variant Classification Process June 2021. Collection method: clinical testing. Allele origin: germline.
Comment: Not observed at significant frequency in large population cohorts (gnomAD); In silico analysis supports that this missense variant has a deleterious effect on protein structure/function; This variant is associated with the following publications: (PMID: 34619682)

Literature cited by the submitters: PubMed 34619682 (cited by Labcorp Genetics (formerly Invitae), Labcorp).

NM_032638.5(GATA2):c.1385C>A (p.Ser462Tyr)

Gene: GATA2 (GATA binding protein 2; minus strand). Cytogenetic location: 3q21.3.
Variant type: single nucleotide variant.
Coding change: c.1385C>A on transcript NM_032638.5 (MANE Select); coding-DNA position 1385, C replaced by A.
Protein change: p.Ser462Tyr; replaces serine 462 with tyrosine.
Molecular consequence: missense variant.
Genome position (GRCh38, 1-based): chr3:128,481,077, G>T on the plus strand (C>A on the coding strand, the complement: GATA2 is on the minus strand). VCF-style: chr3-128481077-G-T. GRCh37 (hg19) VCF-style: chr3-128199920-G-T.
Other names: c.1385C>A, p.Ser462Tyr (NM_001145661.2); c.1343C>A, p.Ser448Tyr (NM_001145662.1); short protein forms S462Y, S448Y.
Identifiers: ClinVar variation 580830 (VCV000580830.9), dbSNP rs1559984575, ClinGen allele CA354412557.